The following is an entry in ClinVar:

ClinVar aggregate classification (germline): Likely benign. Review status: criteria provided, multiple submitters, no conflicts (2 of 4 stars). 3 submissions from 3 submitters: Likely benign (2). 1 of the submissions does not count toward it. Last evaluated 2025-09-20.

Conditions:
APC2-related disorder. Also called: APC2-related condition; APC2-Related Disorders.

Allele frequency attached by ClinVar (database versions not stated): gnomAD exomes 0.00002 and 0.00006; ExAC 0.00010; 1000 Genomes Project 30x 0.00031; gnomAD 0.00033 and 0.00037; 1000 Genomes Project 0.00040; TOPMed 0.00044; ESP Exome Variant Server 0.00046.

Submissions (3):

Labcorp Genetics (formerly Invitae), Labcorp
Classification: Likely benign. Last evaluated: 2025-09-20. Review status: criteria provided, single submitter. Criteria: Invitae Variant Classification Sherloc (09022015). Collection method: clinical testing. Allele origin: germline.

Breakthrough Genomics
Classification: Likely benign. Review status: criteria provided, single submitter. Criteria: ACMG Guidelines, 2015. Collection method: not provided. Allele origin: germline. Inheritance: Autosomal recessive inheritance. Affected: yes.

PreventionGenetics, part of Exact Sciences
Classification: Likely benign for APC2-related condition. Last evaluated: 2019-08-13. Review status: no assertion criteria provided. Collection method: clinical testing. Allele origin: germline. Not counted in ClinVar's aggregate classification.
Comment: This variant is classified as likely benign based on ACMG/AMP sequence variant interpretation guidelines (Richards et al. 2015 PMID: 25741868, with internal and published modifications).

NM_005883.3(APC2):c.1479C>T (p.Ala493=)

Gene: APC2 (APC regulator of Wnt signaling pathway 2; plus strand). Cytogenetic location: 19p13.3.
Variant type: single nucleotide variant.
Coding change: c.1479C>T on transcript NM_005883.3 (MANE Select); coding-DNA position 1479, C replaced by T.
Protein change: p.Ala493=; no amino-acid change (alanine 493 retained).
Molecular consequence: synonymous variant.
Genome position (GRCh38, 1-based): chr19:1,460,815, C>T. VCF-style: chr19-1460815-C-T. GRCh37 (hg19) VCF-style: chr19-1460814-C-T.
Other names: c.1476C>T, p.Ala492= (NM_001351273.1).
Identifiers: ClinVar variation 732684 (VCV000732684.11), dbSNP rs375556751, ClinGen allele CA9045116.